The following is an entry in ClinVar:

ClinVar aggregate classification (germline): Conflicting classifications of pathogenicity. Review status: criteria provided, conflicting classifications (1 of 4 stars). 2 submissions from 2 submitters: Uncertain significance (1); Likely benign (1). Last evaluated 2025-12-21.

Conditions:
Inborn genetic diseases. Identifiers: MedGen C0950123, MeSH D030342.

Allele frequency attached by ClinVar (database versions not stated): gnomAD 0.00001; TOPMed 0.00001.
gnomAD v4.1: 37 of 1,614,048 alleles (0.0023%); highest among the groups gnomAD compares: Non-Finnish European, 0.0027%; no homozygotes.

Submissions (2):

Labcorp Genetics (formerly Invitae), Labcorp
Classification: Uncertain significance. Last evaluated: 2025-12-21. Review status: criteria provided, single submitter. Criteria: Invitae Variant Classification Sherloc (09022015). Collection method: clinical testing. Allele origin: germline.
Comment: This sequence change replaces isoleucine, which is neutral and non-polar, with leucine, which is neutral and non-polar, at codon 1827 of the KMT2A protein (p.Ile1827Leu). This variant is present in population databases (rs782543327, gnomAD 0.004%). This variant has not been reported in the literature in individuals affected with KMT2A-related conditions. ClinVar contains an entry for this variant (Variation ID: 1357458). Invitae Evidence Modeling of protein sequence and biophysical properties (such as structural, functional, and spatial information, amino acid conservation, physicochemical variation, residue mobility, and thermodynamic stability) indicates that this missense variant is not expected to disrupt KMT2A protein function with a negative predictive value of 95%. In summary, the available evidence is currently insufficient to determine the role of this variant in disease. Therefore, it has been classified as a Variant of Uncertain Significance.

Ambry Genetics
Classification: Likely benign for Inborn genetic diseases. Last evaluated: 2025-12-16. Review status: criteria provided, single submitter. Criteria: Ambry Variant Classification Scheme 2023. Collection method: clinical testing. Allele origin: germline.

NM_001197104.2(KMT2A):c.5479A>C (p.Ile1827Leu)

Gene: KMT2A (lysine methyltransferase 2A; plus strand). Cytogenetic location: 11q23.3.
Variant type: single nucleotide variant.
Coding change: c.5479A>C on transcript NM_001197104.2 (MANE Select); coding-DNA position 5479, A replaced by C.
Protein change: p.Ile1827Leu; replaces isoleucine 1827 with leucine.
Molecular consequence: missense variant.
Genome position (GRCh38, 1-based): chr11:118,495,815, A>C. VCF-style: chr11-118495815-A-C. GRCh37 (hg19) VCF-style: chr11-118366530-A-C.
Other names: c.5470A>C, p.Ile1824Leu (NM_005933.4); c.5479A>C (NM_001197104.1); short protein forms I1824L, I1827L.
Identifiers: ClinVar variation 1357458 (VCV001357458.7), dbSNP rs782543327, ClinGen allele CA6304051.